The following is an entry in ClinVar:

ClinVar aggregate classification (germline): Uncertain significance (1 of 4 stars; one submission).

gnomAD v4.1: 3 of 1,612,630 alleles (0.00019%); highest among the groups gnomAD compares: Non-Finnish European, 0.000085%; no homozygotes.

Submission:

Dasa
Classification: Uncertain significance. Last evaluated: 2026-02-05. Review status: criteria provided, single submitter. Criteria: DASA Assertion Criteria. Collection method: clinical testing. Allele origin: germline.
Comment: NM_182925.5(FLT4):c.514-3C>T is a splice-region variant. This variant is rare in population databases. Computational prediction algorithms are consistent with a deleterious effect. The currently available literature and clinical evidence are not sufficient to establish a definitive association between this variant and the reported condition. Therefore, this variant is classified as a variant of uncertain significance.

NM_182925.5(FLT4):c.514-3C>T

Gene: FLT4 (fms related receptor tyrosine kinase 4; minus strand). Cytogenetic location: 5q35.3.
Variant type: single nucleotide variant.
Coding change: c.514-3C>T on transcript NM_182925.5 (MANE Select); 3 bases into the intron before coding-DNA position 514, C replaced by T.
Molecular consequence: intron variant.
Genome position (GRCh38, 1-based): chr5:180,630,108, G>A on the plus strand (C>T on the coding strand, the complement: FLT4 is on the minus strand). VCF-style: chr5-180630108-G-A. GRCh37 (hg19) VCF-style: chr5-180057108-G-A.
Other names: c.514-3C>T (NM_001354989.2, NM_002020.5).
Identifiers: ClinVar variation 4881093 (VCV004881093.2).